The following is an entry in ClinVar:

NM_001126108.2(SLC12A3):c.2521+255G>A

Gene: SLC12A3 (solute carrier family 12 member 3; plus strand). Cytogenetic location: 16q13.
Variant type: single nucleotide variant.
Coding change: c.2521+255G>A on transcript NM_001126108.2 (MANE Select); 255 bases into the intron after coding-DNA position 2521, G replaced by A.
Molecular consequence: intron variant.
Genome position (GRCh38, 1-based): chr16:56,893,309, G>A. VCF-style: chr16-56893309-G-A. GRCh37 (hg19) VCF-style: chr16-56927221-G-A.
Other names: c.2548+255G>A (NM_000339.3); c.2545+255G>A (NM_001126107.2).
Identifiers: ClinVar variation 1684172 (VCV001684172.6), dbSNP rs1037430183, ClinGen allele CA281513360.

ClinVar aggregate classification (germline): Conflicting classifications of pathogenicity. Review status: criteria provided, conflicting classifications (1 of 4 stars). 5 submissions from 5 submitters: Likely pathogenic (3); Uncertain significance (1). 1 of the submissions does not count toward it. Last evaluated 2026-01-13.

Conditions:
Familial hypokalemia-hypomagnesemia (GTLMNS). Also called: gitelman syndrome; HYPOMAGNESEMIA-HYPOKALEMIA, PRIMARY RENOTUBULAR, WITH HYPOCALCIURIA; POTASSIUM AND MAGNESIUM DEPLETION. Identifiers: Orphanet 358, MedGen C0268450, MONDO:0009904, OMIM 263800.
SLC12A3-related disorder. Also called: SLC12A3-related condition.

Allele frequency attached by ClinVar (database versions not stated): gnomAD 0.00004 and 0.00007; TOPMed 0.00006.
gnomAD v4.1: 10 of 152,264 alleles (0.0066%); highest among the groups gnomAD compares: Admixed American, 0.0065%; no homozygotes.

Submissions (5):

Natera, Inc.
Classification: Likely pathogenic for Gitelman syndrome. Last evaluated: 2026-01-13. Review status: criteria provided, single submitter. Criteria: Natera Variant Classification Schema (03/2026). Collection method: clinical testing. Allele origin: germline.
Comment: The c.2548+255G>A variant in SLC12A3 is an intronic variant located outside the canonical splice sites. This variant is rare in the general population with a frequency below the threshold expected for the associated phenotype(s). This variant has been observed in one or more individuals affected with the associated recessive disease, as either homozygous or compound heterozygous with a second variant (PMID: 36302598). Functional studies show that this variant may disrupt protein function (PMID: 36302598). Given the available evidence, this variant is classified as Likely Pathogenic.

Women's Health and Genetics/Laboratory Corporation of America, LabCorp
Classification: Uncertain significance. Last evaluated: 2024-04-15. Review status: criteria provided, single submitter. Criteria: LabCorp Variant Classification Summary - May 2015. Collection method: clinical testing. Allele origin: germline.
Comment: Variant summary: SLC12A3 c.2548+255G>A is located at a position not widely known to affect splicing. Several computational tools predict a significant impact on normal splicing: Three predict the variant abolishes a cryptic 5' donor site. At least one publication reports experimental evidence that this variant affects mRNA splicing, reporting inclusion of a 90-bp pseudoexon in intron 21 detected by midigene splicing assay (e.g. Viering_2023). The frequency of this variant in the general population could not be determined as the technology used for large population databases (ExAC, gnomAD, ESP, 1000G) cannot detect variants of this type. c.2548+255G>A has been reported in the literature in at least one compound heterozygous individual affected with Gitelman syndrome (e.g. Viering_2023). This report does not provide unequivocal conclusions about association of the variant with Familial Hypokalemia-Hypomagnesemia. The following publication has been ascertained in the context of this evaluation (PMID: 36302598). ClinVar contains an entry for this variant (Variation ID: 1684172). Based on the evidence outlined above, the variant was classified as VUS-possibly pathogenic.

Fulgent Genetics
Classification: Likely pathogenic for Familial hypokalemia-hypomagnesemia. Last evaluated: 2024-04-12. Review status: criteria provided, single submitter. Criteria: ACMG Guidelines, 2015. Collection method: clinical testing. Allele origin: germline.

European Hospital Georges Pompidou Genetics Department, Assistance Publique - Hôpitaux de Paris AP-HP
Classification: Likely pathogenic for Familial hypokalemia-hypomagnesemia. Last evaluated: 2022-04-27. Review status: criteria provided, single submitter. Criteria: ACMG Guidelines, 2015. Collection method: clinical testing, in vitro. Allele origin: germline. Affected: yes.
Comment: ACMG criteria used:PS3, PM2

PreventionGenetics, part of Exact Sciences
Classification: Likely benign for SLC12A3-related condition. Last evaluated: 2019-11-12. Review status: no assertion criteria provided. Collection method: clinical testing. Allele origin: germline. Not counted in ClinVar's aggregate classification.
Comment: This variant is classified as likely benign based on ACMG/AMP sequence variant interpretation guidelines (Richards et al. 2015 PMID: 25741868, with internal and published modifications).

Literature cited by the submitters: PubMed 36302598 (cited by Natera, Inc. and Women's Health and Genetics/Laboratory Corporation of America, LabCorp).